The following is an entry in ClinVar:

NM_032242.4(PLXNA1):c.361G>A (p.Asp121Asn)

Gene: PLXNA1 (plexin A1; plus strand). Cytogenetic location: 3q21.3.
Variant type: single nucleotide variant.
Coding change: c.361G>A on transcript NM_032242.4 (MANE Select); coding-DNA position 361, G replaced by A.
Protein change: p.Asp121Asn; replaces aspartic acid 121 with asparagine.
Molecular consequence: missense variant.
Genome position (GRCh38, 1-based): chr3:126,988,954, G>A. VCF-style: chr3-126988954-G-A. GRCh37 (hg19) VCF-style: chr3-126707797-G-A.
Other names: short protein forms D121N.
Identifiers: ClinVar variation 5000066 (VCV005000066.1).

ClinVar aggregate classification (germline): Uncertain significance (1 of 4 stars; one submission).

Conditions:
PLXNA1-related disorder. Also called: PLXNA1-related condition.

gnomAD v4.1: 1 of 1,613,232 alleles (0.000062%); highest among the groups gnomAD compares: Admixed American, 0.0017%; no homozygotes.

Submission:

PreventionGenetics, part of Exact Sciences
Classification: Uncertain significance for PLXNA1-related condition. Last evaluated: 2025-07-16. Review status: criteria provided, single submitter. Criteria: ACMG Guidelines, 2015. Collection method: clinical testing. Allele origin: germline.
Comment: The PLXNA1 c.361G>A variant is predicted to result in the amino acid substitution p.Asp121Asn. To our knowledge, this variant has not been reported in the literature or in a large population database (gnomAD), indicating this variant is rare. At this time, the clinical significance of this variant is uncertain due to the absence of conclusive functional and genetic evidence.